The following is an entry in ClinVar:

ClinVar aggregate classification (germline): Uncertain significance. Review status: criteria provided, multiple submitters, no conflicts (2 of 4 stars). 2 submissions from 2 submitters: Uncertain significance (2). Last evaluated 2024-11-05.

Conditions:
X-linked intellectual disability Cabezas type (MRXSC). Also called: CABEZAS SYNDROME; Intellectual developmental disorder, X-linked syndromic, Cabezas type; MENTAL RETARDATION, X-LINKED, SYNDROMIC 15. Identifiers: Orphanet 85289, Orphanet 85293, MedGen C1845861, MONDO:0010306, OMIM 300354.

Allele frequency attached by ClinVar (database versions not stated): ExAC 0.00001; gnomAD exomes 0.00001.

Submissions (2):

Labcorp Genetics (formerly Invitae), Labcorp
Classification: Uncertain significance for X-linked intellectual disability Cabezas type. Last evaluated: 2024-11-05. Review status: criteria provided, single submitter. Criteria: Invitae Variant Classification Sherloc (09022015). Collection method: clinical testing. Allele origin: germline.
Comment: This sequence change replaces lysine, which is basic and polar, with glutamine, which is neutral and polar, at codon 419 of the CUL4B protein (p.Lys419Gln). This variant is not present in population databases (gnomAD no frequency). This variant has not been reported in the literature in individuals affected with CUL4B-related conditions. ClinVar contains an entry for this variant (Variation ID: 210808). Invitae Evidence Modeling of protein sequence and biophysical properties (such as structural, functional, and spatial information, amino acid conservation, physicochemical variation, residue mobility, and thermodynamic stability) has been performed for this missense variant. However, the output from this modeling did not meet the statistical confidence thresholds required to predict the impact of this variant on CUL4B protein function. In summary, the available evidence is currently insufficient to determine the role of this variant in disease. Therefore, it has been classified as a Variant of Uncertain Significance.

Genetic Services Laboratory, University of Chicago
Classification: Uncertain significance. Last evaluated: 2014-12-23. Review status: criteria provided, single submitter. Criteria: ACMG Guidelines, 2015. Collection method: clinical testing. Allele origin: germline.

NM_001079872.2(CUL4B):c.1201A>C (p.Lys401Gln)

Gene: CUL4B (cullin 4B; minus strand). Cytogenetic location: Xq24.
Variant type: single nucleotide variant.
Coding change: c.1201A>C on transcript NM_001079872.2 (MANE Select); coding-DNA position 1201, A replaced by C.
Protein change: p.Lys401Gln; replaces lysine 401 with glutamine.
Molecular consequence: missense variant.
Genome position (GRCh38, 1-based): chrX:120,543,782, T>G on the plus strand (A>C on the coding strand, the complement: CUL4B is on the minus strand). VCF-style: chrX-120543782-T-G. GRCh37 (hg19) VCF-style: chrX-119677637-T-G.
Other names: c.1216A>C, p.Lys406Gln (NM_001330624.2); c.667A>C, p.Lys223Gln (NM_001369145.1); c.1255A>C, p.Lys419Gln (NM_003588.4); short protein forms K419Q, K223Q, K406Q, K401Q.
Identifiers: ClinVar variation 210808 (VCV000210808.10), dbSNP rs750866615, ClinGen allele CA207283.